The following is an entry in ClinVar:

ClinVar aggregate classification (germline): Uncertain significance (0 of 4 stars; one submission).

Conditions:
NDST1-related disorder. Also called: NDST1-related condition.

Allele frequency attached by ClinVar (database versions not stated): ExAC 0.00001; gnomAD exomes 0.00001; TOPMed 0.00002.
gnomAD v4.1: 20 of 1,614,226 alleles (0.0012%); highest among the groups gnomAD compares: Admixed American, 0.005%; no homozygotes.

Submission:

PreventionGenetics, part of Exact Sciences
Classification: Uncertain significance for NDST1-related condition. Last evaluated: 2024-01-21. Review status: no assertion criteria provided. Collection method: clinical testing. Allele origin: germline.
Comment: The NDST1 c.1306G>A variant is predicted to result in the amino acid substitution p.Val436Met. To our knowledge, this variant has not been reported in the literature. This variant is reported in 0.0058% of alleles in individuals of Latino descent in gnomAD. Although we suspect that this variant may be pathogenic, at this time, the clinical significance of this variant is uncertain due to the absence of conclusive functional and genetic evidence.

NM_001543.5(NDST1):c.1306G>A (p.Val436Met)

Gene: NDST1 (N-deacetylase and N-sulfotransferase 1; plus strand). Cytogenetic location: 5q33.1.
Variant type: single nucleotide variant.
Coding change: c.1306G>A on transcript NM_001543.5 (MANE Select); coding-DNA position 1306, G replaced by A.
Protein change: p.Val436Met; replaces valine 436 with methionine.
Molecular consequence: missense variant.
Genome position (GRCh38, 1-based): chr5:150,535,754, G>A. VCF-style: chr5-150535754-G-A. GRCh37 (hg19) VCF-style: chr5-149915316-G-A.
Other names: c.1306G>A, p.Val436Met (NM_001301063.2); short protein forms V436M.
Identifiers: ClinVar variation 3052948 (VCV003052948.2), dbSNP rs754419698, ClinGen allele CA3512633.